The following is an entry in ClinVar:

ClinVar aggregate classification (germline): Uncertain significance (1 of 4 stars; one submission).

Conditions:
Dyskeratosis congenita, autosomal recessive 6 (DKCB6). Identifiers: MedGen C4225356, MONDO:0014600, OMIM 616353.
Pulmonary fibrosis and/or bone marrow failure, Telomere-related, 4. Also called: PULMONARY FIBROSIS AND/OR BONE MARROW FAILURE SYNDROME, TELOMERE-RELATED, 4. Identifiers: Orphanet 2032, MedGen C4225347, MONDO:0014612, OMIM 616371.

gnomAD v4.1: 6 of 1,609,884 alleles (0.00037%); highest among the groups gnomAD compares: Non-Finnish European, 0.00042%; no homozygotes.

Submission:

Labcorp Genetics (formerly Invitae), Labcorp
Classification: Uncertain significance for Dyskeratosis congenita, autosomal recessive 6; Pulmonary fibrosis and/or bone marrow failure, Telomere-related, 4. Last evaluated: 2024-10-08. Review status: criteria provided, single submitter. Criteria: Invitae Variant Classification Sherloc (09022015). Collection method: clinical testing. Allele origin: germline.
Comment: This sequence change replaces lysine, which is basic and polar, with glutamine, which is neutral and polar, at codon 492 of the PARN protein (p.Lys492Gln). This variant is present in population databases (no rsID available, gnomAD 0.0009%). This variant has not been reported in the literature in individuals affected with PARN-related conditions. ClinVar contains an entry for this variant (Variation ID: 1439582). Invitae Evidence Modeling of protein sequence and biophysical properties (such as structural, functional, and spatial information, amino acid conservation, physicochemical variation, residue mobility, and thermodynamic stability) indicates that this missense variant is not expected to disrupt PARN protein function with a negative predictive value of 80%. In summary, the available evidence is currently insufficient to determine the role of this variant in disease. Therefore, it has been classified as a Variant of Uncertain Significance.

NM_002582.4(PARN):c.1474A>C (p.Lys492Gln)

Gene: PARN (poly(A)-specific ribonuclease; minus strand). Cytogenetic location: 16p13.12.
Variant type: single nucleotide variant.
Coding change: c.1474A>C on transcript NM_002582.4 (MANE Select); coding-DNA position 1474, A replaced by C.
Protein change: p.Lys492Gln; replaces lysine 492 with glutamine.
Molecular consequence: missense variant.
Genome position (GRCh38, 1-based): chr16:14,552,027, T>G on the plus strand (A>C on the coding strand, the complement: PARN is on the minus strand). VCF-style: chr16-14552027-T-G. GRCh37 (hg19) VCF-style: chr16-14645884-T-G.
Other names: c.1291A>C, p.Lys431Gln (NM_001134477.3); c.1336A>C, p.Lys446Gln (NM_001242992.2); short protein forms K492Q, K431Q, K446Q.
Identifiers: ClinVar variation 1439582 (VCV001439582.8), dbSNP rs759449443, ClinGen allele CA394810129.